The following is an entry in ClinVar:

NM_000439.5(PCSK1):c.156G>C (p.Glu52Asp)

Genes: PCSK1 (proprotein convertase subtilisin/kexin type 1; minus strand), CAST (calpastatin; plus strand), LOC101929710 (uncharacterized LOC101929710; plus strand). Cytogenetic location: 5q15.
Variant type: single nucleotide variant.
Coding change: c.156G>C on transcript NM_000439.5 (MANE Select); coding-DNA position 156, G replaced by C.
Protein change: p.Glu52Asp; replaces glutamic acid 52 with aspartic acid.
Molecular consequence: missense variant. On other transcripts: intron variant (11).
Genome position (GRCh38, 1-based): chr5:96,432,887, C>G on the plus strand (G>C on the coding strand, the complement: PCSK1 is on the minus strand). VCF-style: chr5-96432887-C-G. GRCh37 (hg19) VCF-style: chr5-95768591-C-G.
Other names: c.-175+53235C>G (NM_001423251.1, NM_001423256.1, NM_001423252.1 and 6 more transcripts); c.-40+53235C>G (NM_001423258.1); c.-103+53235C>G (NM_001423253.1); short protein forms E52D.
Identifiers: ClinVar variation 3344955 (VCV003344955.2).
Genomic context (GRCh38, chr5:96,432,887, plus strand): 5'-GGCCCCAGAAAGTTTCTTGAAAGTGGAAACTCTTACCTGACCCAAAAGGTCATAGCCCAG[C>G]TCCTCGGCGATGGCCGAGGCTGCTTCCGGGCCCCCGGGGATCTCCGCTGCCCATTCATTG-3'
Protein context (NP_000430.3, residues 42-62): GPEAASAIAE[Glu52Asp]LGYDLLGQIG

ClinVar aggregate classification (germline): Uncertain significance (1 of 4 stars; one submission).

Conditions:
PCSK1-related disorder. Also called: PCSK1-related condition.

Submission:

PreventionGenetics, part of Exact Sciences
Classification: Uncertain significance for PCSK1-related condition. Last evaluated: 2025-02-21. Review status: criteria provided, single submitter. Criteria: ACMG Guidelines, 2015. Collection method: clinical testing. Allele origin: germline.
Comment: The PCSK1 c.156G>C variant is predicted to result in the amino acid substitution p.Glu52Asp. To our knowledge, this variant has not been reported in the literature or in a large population database, indicating this variant is rare. In vitro functional studies showed function similar to wild-type levels (Supplemental Data Set, Shah et al. 2023. PubMed ID: 36864747). At this time, the clinical significance of this variant is uncertain due to the absence of conclusive functional and genetic evidence.